The following is an entry in ClinVar:

ClinVar aggregate classification (germline): Uncertain significance (1 of 4 stars; one submission).

Allele frequency attached by ClinVar (database versions not stated): gnomAD exomes below 0.00001; gnomAD 0.00001; TOPMed 0.00001.

Submission:

Labcorp Genetics (formerly Invitae), Labcorp
Classification: Uncertain significance. Last evaluated: 2021-07-28. Review status: criteria provided, single submitter. Criteria: Invitae Variant Classification Sherloc (09022015). Collection method: clinical testing. Allele origin: germline.
Comment: This sequence change replaces glycine with serine at codon 43 of the MATN3 protein (p.Gly43Ser). The glycine residue is weakly conserved and there is a small physicochemical difference between glycine and serine. The frequency data for this variant in the population databases is considered unreliable, as metrics indicate insufficient coverage at this position in the ExAC database. In summary, the available evidence is currently insufficient to determine the role of this variant in disease. Therefore, it has been classified as a Variant of Uncertain Significance. Algorithms developed to predict the effect of missense changes on protein structure and function are either unavailable or do not agree on the potential impact of this missense change (SIFT: "Tolerated"; PolyPhen-2: "Probably Damaging"; Align-GVGD: "Class C0"). This variant has not been reported in the literature in individuals affected with MATN3-related conditions.

NM_002381.5(MATN3):c.127G>A (p.Gly43Ser)

Gene: MATN3 (matrilin 3; minus strand). Cytogenetic location: 2p24.1.
Variant type: single nucleotide variant.
Coding change: c.127G>A on transcript NM_002381.5 (MANE Select); coding-DNA position 127, G replaced by A.
Protein change: p.Gly43Ser; replaces glycine 43 with serine.
Molecular consequence: missense variant.
Genome position (GRCh38, 1-based): chr2:20,012,505, C>T on the plus strand (G>A on the coding strand, the complement: MATN3 is on the minus strand). VCF-style: chr2-20012505-C-T. GRCh37 (hg19) VCF-style: chr2-20212266-C-T.
Other names: short protein forms G43S.
Identifiers: ClinVar variation 1437755 (VCV001437755.6), dbSNP rs1249146099, ClinGen allele CA345951740.